The following is an entry in ClinVar:

ClinVar aggregate classification (germline): Uncertain significance. Review status: criteria provided, multiple submitters, no conflicts (2 of 4 stars). 2 submissions from 2 submitters: Uncertain significance (2). Last evaluated 2025-08-01.

Conditions:
Hereditary cancer-predisposing syndrome. Also called: Neoplastic Syndromes, Hereditary; Tumor predisposition; Hereditary Cancer Syndrome; Hereditary neoplastic syndrome. Identifiers: Orphanet 140162, MedGen C0027672, MeSH D009386, MONDO:0015356.
Renal cell carcinoma. Identifiers: Orphanet 217071, MedGen C0007134, MeSH D002292, MONDO:0005086, HP:0005584.

Allele frequency attached by ClinVar (database versions not stated): gnomAD exomes below 0.00001.
gnomAD v4.1: 1 of 1,613,996 alleles (0.000062%); highest among the groups gnomAD compares: Non-Finnish European, 0.000085%; no homozygotes.

Submissions (2):

Labcorp Genetics (formerly Invitae), Labcorp
Classification: Uncertain significance for Renal cell carcinoma. Last evaluated: 2025-08-01. Review status: criteria provided, single submitter. Criteria: Invitae Variant Classification Sherloc (09022015). Collection method: clinical testing. Allele origin: germline.
Comment: This sequence change replaces glycine, which is neutral and non-polar, with arginine, which is basic and polar, at codon 578 of the MET protein (p.Gly578Arg). This variant is not present in population databases (gnomAD no frequency). This variant has not been reported in the literature in individuals affected with MET-related conditions. ClinVar contains an entry for this variant (Variation ID: 819932). Invitae Evidence Modeling of protein sequence and biophysical properties (such as structural, functional, and spatial information, amino acid conservation, physicochemical variation, residue mobility, and thermodynamic stability) indicates that this missense variant is not expected to disrupt MET protein function with a negative predictive value of 80%. In summary, the available evidence is currently insufficient to determine the role of this variant in disease. Therefore, it has been classified as a Variant of Uncertain Significance.

Ambry Genetics
Classification: Uncertain significance for Hereditary cancer-predisposing syndrome. Last evaluated: 2024-04-25. Review status: criteria provided, single submitter. Criteria: Ambry Variant Classification Scheme 2023. Collection method: clinical testing. Allele origin: germline.
Comment: The p.G578R variant (also known as c.1732G>A), located in coding exon 5 of the MET gene, results from a G to A substitution at nucleotide position 1732. The glycine at codon 578 is replaced by arginine, an amino acid with dissimilar properties. This amino acid position is highly conserved in available vertebrate species. In addition, this alteration is predicted to be deleterious by in silico analysis. Based on the available evidence, the clinical significance of this variant remains unclear.

NM_000245.4(MET):c.1732G>A (p.Gly578Arg)

Gene: MET (MET proto-oncogene, receptor tyrosine kinase; plus strand). Cytogenetic location: 7q31.2.
Variant type: single nucleotide variant.
Coding change: c.1732G>A on transcript NM_000245.4 (MANE Select); coding-DNA position 1732, G replaced by A.
Protein change: p.Gly578Arg; replaces glycine 578 with arginine.
Molecular consequence: missense variant.
Genome position (GRCh38, 1-based): chr7:116,755,385, G>A. VCF-style: chr7-116755385-G-A. GRCh37 (hg19) VCF-style: chr7-116395439-G-A.
Other names: c.1732G>A, p.Gly578Arg (NM_001127500.3, NM_001324401.3); c.442G>A, p.Gly148Arg (NM_001324402.2); short protein forms G578R, G148R.
Identifiers: ClinVar variation 819932 (VCV000819932.15), dbSNP rs1584939128, ClinGen allele CA368977666.